The following is an entry in ClinVar:

ClinVar aggregate classification (germline): Benign. Review status: criteria provided, multiple submitters, no conflicts (2 of 4 stars). 4 submissions from 4 submitters: Benign (4). Last evaluated 2026-02-02.

Allele frequency attached by ClinVar (database versions not stated): ESP Exome Variant Server 0.00632; gnomAD 0.01490 and 0.01811; TOPMed 0.01949; gnomAD exomes 0.02696; ExAC 0.03487; 1000 Genomes Project 30x 0.05543; 1000 Genomes Project 0.06170.
gnomAD v4.1: 19,652 of 1,606,052 alleles (1.2%); highest among the groups gnomAD compares: East Asian, 29%; 2,047 homozygotes.

Submissions (4):

Labcorp Genetics (formerly Invitae), Labcorp
Classification: Benign. Last evaluated: 2026-02-02. Review status: criteria provided, single submitter. Criteria: Invitae Variant Classification Sherloc (09022015). Collection method: clinical testing. Allele origin: germline.

Mayo Clinic Laboratories, Mayo Clinic
Classification: Benign. Last evaluated: 2022-04-17. Review status: criteria provided, single submitter. Criteria: ACMG Guidelines, 2015. Collection method: clinical testing. Allele origin: germline. Observed: 7 variant alleles.

GeneDx
Classification: Benign. Last evaluated: 2017-05-09. Review status: criteria provided, single submitter. Criteria: GeneDx Variant Classification (06012015). Collection method: clinical testing. Allele origin: germline. Affected: yes.
Comment: This variant is considered likely benign or benign based on one or more of the following criteria: it is a conservative change, it occurs at a poorly conserved position in the protein, it is predicted to be benign by multiple in silico algorithms, and/or has population frequency not consistent with disease.

Breakthrough Genomics
Classification: Benign. Review status: criteria provided, single submitter. Criteria: ACMG Guidelines, 2015. Collection method: not provided. Allele origin: germline. Inheritance: Autosomal dominant inheritance. Affected: yes.

NM_004526.4(MCM2):c.378G>A (p.Arg126=)

Gene: MCM2 (minichromosome maintenance complex component 2; plus strand). Cytogenetic location: 3q21.3.
Variant type: single nucleotide variant.
Coding change: c.378G>A on transcript NM_004526.4 (MANE Select); coding-DNA position 378, G replaced by A.
Protein change: p.Arg126=; no amino-acid change (arginine 126 retained).
Molecular consequence: synonymous variant. On other transcripts: non-coding transcript variant (1).
Genome position (GRCh38, 1-based): chr3:127,604,749, G>A. VCF-style: chr3-127604749-G-A. GRCh37 (hg19) VCF-style: chr3-127323592-G-A.
Other names: p.Arg126=.
Identifiers: ClinVar variation 508629 (VCV000508629.11), dbSNP rs2257836, ClinGen allele CA2595540.